The following is an entry in ClinVar:

NM_006516.4(SLC2A1):c.265C>T (p.Arg89Cys)

Gene: SLC2A1 (solute carrier family 2 member 1; minus strand). Cytogenetic location: 1p34.2.
Variant type: single nucleotide variant.
Coding change: c.265C>T on transcript NM_006516.4 (MANE Select); coding-DNA position 265, C replaced by T.
Protein change: p.Arg89Cys; replaces arginine 89 with cysteine.
Molecular consequence: missense variant.
Genome position (GRCh38, 1-based): chr1:42,931,056, G>A on the plus strand (C>T on the coding strand, the complement: SLC2A1 is on the minus strand). VCF-style: chr1-42931056-G-A. GRCh37 (hg19) VCF-style: chr1-43396727-G-A.
Other names: short protein forms R89C.
Identifiers: ClinVar variation 2503250 (VCV002503250.4), dbSNP rs961569873, ClinGen allele CA339961583.

ClinVar aggregate classification (germline): Uncertain significance. Review status: criteria provided, multiple submitters, no conflicts (2 of 4 stars). 2 submissions from 2 submitters: Uncertain significance (2). Last evaluated 2026-08-18.

Allele frequency attached by ClinVar (database versions not stated): gnomAD exomes below 0.00001.
gnomAD v4.1: 3 of 1,614,134 alleles (0.00019%); highest among the groups gnomAD compares: Non-Finnish European, 0.00025%; no homozygotes.

Submissions (2):

GeneDx
Classification: Uncertain significance. Last evaluated: 2026-08-18. Review status: criteria provided, single submitter. Criteria: GeneDx Variant Classification Process June 2021. Collection method: clinical testing. Allele origin: germline.
Comment: Not observed at significant frequency in large population cohorts (gnomAD); In silico analysis supports that this missense variant has a deleterious effect on protein structure/function; Has not been previously published as pathogenic or benign to our knowledge

Revvity Omics, Revvity
Classification: Uncertain significance. Last evaluated: 2023-11-20. Review status: criteria provided, single submitter. Criteria: ACMG Guidelines, 2015. Collection method: clinical testing. Allele origin: germline.